The following is an entry in ClinVar:

NM_000751.3(CHRND):c.1288del (p.Glu430fs)

Gene: CHRND (cholinergic receptor nicotinic delta subunit; plus strand). Cytogenetic location: 2q37.1.
Variant type: Deletion.
Coding change: c.1288del on transcript NM_000751.3 (MANE Select); coding-DNA position 1288, one base deleted (G; older notation c.1288delG).
Protein change: p.Glu430fs; shifts the reading frame from glutamic acid 430.
Molecular consequence: frameshift variant.
Genome position (GRCh38, 1-based): chr2:232,534,259, G deleted; the last of 2 consecutive G bases (chr2:232,534,258-232,534,259); deleting either gives the same sequence. VCF-style (leftmost placement, unchanged base first): chr2-232534257-AG-A. GRCh37 (hg19) VCF-style: chr2-233398967-AG-A.
Other names: c.1243del, p.Glu415fs (NM_001256657.2); c.706del, p.Glu236fs (NM_001311195.2); c.985del, p.Glu329fs (NM_001311196.2); short protein forms E236fs, E329fs, E415fs, E430fs.
Identifiers: ClinVar variation 4886464 (VCV004886464.2).

ClinVar aggregate classification (germline): Likely pathogenic (1 of 4 stars; one submission).

Submission:

Dasa
Classification: Likely pathogenic. Last evaluated: 2025-04-16. Review status: criteria provided, single submitter. Criteria: DASA Assertion Criteria. Collection method: clinical testing. Allele origin: germline.
Comment: NM_000751.3(CHRND):c.1288del (p.Glu430Asnfs*6) is a frameshift variant in CHRND predicted to alter the reading frame and introduce a premature termination codon and is predicted to result in an absent or altered protein product. Loss of function is an established disease mechanism for CHRND-associated disorders. Also, this variant is absent from population databases. Based on the currently available evidence, this variant is classified as likely pathogenic.